The following is an entry in ClinVar:

ClinVar aggregate classification (germline): Uncertain significance (1 of 4 stars; one submission).

gnomAD v4.1: 16 of 1,613,944 alleles (0.00099%); highest among the groups gnomAD compares: Non-Finnish European, 0.0013%; no homozygotes.

Submission:

Ambry Genetics
Classification: Uncertain significance. Last evaluated: 2024-07-29. Review status: criteria provided, single submitter. Criteria: Ambry Variant Classification Scheme 2023. Collection method: clinical testing. Allele origin: germline.
Comment: The p.V217A variant (also known as c.650T>C), located in coding exon 5 of the RINT1 gene, results from a T to C substitution at nucleotide position 650. The valine at codon 217 is replaced by alanine, an amino acid with similar properties. This amino acid position is conserved. In addition, this alteration is predicted to be tolerated by in silico analysis. Based on the available evidence, the clinical significance of this variant remains unclear.

NM_021930.6(RINT1):c.650T>C (p.Val217Ala)

Gene: RINT1 (RAD50 interactor 1; plus strand). Cytogenetic location: 7q22.3.
Variant type: single nucleotide variant.
Coding change: c.650T>C on transcript NM_021930.6 (MANE Select); coding-DNA position 650, T replaced by C.
Protein change: p.Val217Ala; replaces valine 217 with alanine.
Molecular consequence: missense variant. On other transcripts: 5 prime UTR variant (2), non-coding transcript variant (1), intron variant (1).
Genome position (GRCh38, 1-based): chr7:105,547,044, T>C. VCF-style: chr7-105547044-T-C. GRCh37 (hg19) VCF-style: chr7-105187491-T-C.
Other names: c.416T>C, p.Val139Ala (NM_001346599.2); c.-370T>C (NM_001346600.2); c.-273T>C (NM_001346601.2); c.-27-3011T>C (NM_001346603.2); short protein forms V217A, V139A.
Identifiers: ClinVar variation 3433592 (VCV003433592.1).